The following is an entry in ClinVar:

NM_020987.5(ANK3):c.4075G>C (p.Val1359Leu)

Gene: ANK3 (ankyrin 3; minus strand). Cytogenetic location: 10q21.2.
Variant type: single nucleotide variant.
Coding change: c.4075G>C on transcript NM_020987.5 (MANE Select); coding-DNA position 4075, G replaced by C.
Protein change: p.Val1359Leu; replaces valine 1359 with leucine.
Molecular consequence: missense variant.
Genome position (GRCh38, 1-based): chr10:60,083,617, C>G on the plus strand (G>C on the coding strand, the complement: ANK3 is on the minus strand). VCF-style: chr10-60083617-C-G. GRCh37 (hg19) VCF-style: chr10-61843375-C-G.
Other names: c.1477G>C, p.Val493Leu (NM_001149.4); c.4057G>C, p.Val1353Leu (NM_001204403.2); c.4078G>C, p.Val1360Leu (NM_001204404.2); c.4075G>C, p.Val1359Leu (NM_001320874.2); short protein forms V1353L, V1359L, V1360L, V493L.
Identifiers: ClinVar variation 3903119 (VCV003903119.1).
Genomic context (GRCh38, chr10:60,083,617, plus strand): 5'-CTTTGGTAAGTGGGGCCAAATTTCCATAACAATCAACATAAATAGGTTTTCCTTCCAGAA[C>G]CTTTTAGAGTAAAAGAAATAAACAATTTAATGTTAATCTGAGTTTAAAATATTTTGAGAT-3'
Protein context (NP_066267.2, residues 1349-1369): EEVARSKDIE[Val1359Leu]LEGKPIYVDC

ClinVar aggregate classification (germline): Uncertain significance (1 of 4 stars; one submission).

gnomAD v4.1: 9 of 1,587,884 alleles (0.00057%); highest among the groups gnomAD compares: African/African-American, 0.0014%; no homozygotes.

Submission:

GeneDx
Classification: Uncertain significance. Last evaluated: 2024-12-14. Review status: criteria provided, single submitter. Criteria: GeneDx Variant Classification Process June 2021. Collection method: clinical testing. Allele origin: germline. Affected: yes.
Comment: Not observed at significant frequency in large population cohorts (gnomAD); In silico analysis supports that this missense variant has a deleterious effect on protein structure/function; Has not been previously published as pathogenic or benign to our knowledge